The following is an entry in ClinVar:

ClinVar aggregate classification (germline): Pathogenic (1 of 4 stars; one submission).

Conditions:
FREM1-related disorder. Also called: FREM1-Related Disorders; FREM1-related condition.

gnomAD v4.1: 1 of 1,565,984 alleles (0.000064%); highest among the groups gnomAD compares: Non-Finnish European, 0.000087%; no homozygotes.

Submission:

Women's Health and Genetics/Laboratory Corporation of America, LabCorp
Classification: Pathogenic for FREM1-Related Disorders. Last evaluated: 2024-09-11. Review status: criteria provided, single submitter. Criteria: LabCorp Variant Classification Summary - May 2015. Collection method: clinical testing. Allele origin: germline.
Comment: Variant summary: FREM1 c.3289A>T (p.Lys1097X) results in a premature termination codon, predicted to cause a truncation of the encoded protein or absence of the protein due to nonsense mediated decay, which are commonly known mechanisms for disease. The variant was absent in 224556 control chromosomes (gnomAD). To our knowledge, no occurrence of c.3289A>T in individuals affected with FREM1-Related Disorders and no experimental evidence demonstrating its impact on protein function have been reported. No submitters have cited clinical-significance assessments for this variant to ClinVar. Based on the evidence outlined above, the variant was classified as pathogenic.

NM_001379081.2(FREM1):c.3289A>T (p.Lys1097Ter)

Gene: FREM1 (FRAS1 related extracellular matrix 1; minus strand). Cytogenetic location: 9p22.3.
Variant type: single nucleotide variant.
Coding change: c.3289A>T on transcript NM_001379081.2 (MANE Select); coding-DNA position 3289, A replaced by T.
Protein change: p.Lys1097Ter; replaces lysine 1097 with a stop codon.
Molecular consequence: nonsense. On other transcripts: non-coding transcript variant (2).
Genome position (GRCh38, 1-based): chr9:14,805,138, T>A on the plus strand (A>T on the coding strand, the complement: FREM1 is on the minus strand). VCF-style: chr9-14805138-T-A. GRCh37 (hg19) VCF-style: chr9-14805136-T-A.
Other names: c.3289A>T, p.Lys1097Ter (NM_144966.7); short protein forms K1097*.
Identifiers: ClinVar variation 3374900 (VCV003374900.1).